The following is an entry in ClinVar:

NM_007294.4(BRCA1):c.5330C>G (p.Thr1777Arg)

Gene: BRCA1 (BRCA1 DNA repair associated; minus strand). Cytogenetic location: 17q21.31.
Variant type: single nucleotide variant.
Coding change: c.5330C>G on transcript NM_007294.4 (MANE Select); coding-DNA position 5330, C replaced by G.
Protein change: p.Thr1777Arg; replaces threonine 1777 with arginine.
Molecular consequence: missense variant. On other transcripts: non-coding transcript variant (1).
Genome position (GRCh38, 1-based): chr17:43,051,065, G>C on the plus strand (C>G on the coding strand, the complement: BRCA1 is on the minus strand). VCF-style: chr17-43051065-G-C. GRCh37 (hg19) VCF-style: chr17-41203082-G-C.
Other names: c.5117C>G, p.Thr1706Arg (NM_001407571.1, NM_001407897.1, NM_001407898.1 and 12 more transcripts); c.5396C>G, p.Thr1799Arg (NM_001407581.1, NM_001407582.1); c.5393C>G, p.Thr1798Arg (NM_001407583.1, NM_001407585.1, NM_001407587.1 and 1 more transcripts); c.5390C>G, p.Thr1797Arg (NM_001407590.1, NM_001407591.1); c.5330C>G, p.Thr1777Arg (NM_001407593.1, NM_001407594.1, NM_001407596.1 and 6 more transcripts); c.5327C>G, p.Thr1776Arg (NM_001407610.1, NM_001407611.1, NM_001407612.1 and 17 more transcripts); c.5324C>G, p.Thr1775Arg (NM_001407627.1, NM_001407628.1, NM_001407629.1 and 14 more transcripts); c.5321C>G, p.Thr1774Arg (NM_001407645.1, NM_001407644.1); and 72 more; short protein forms T1730R, T1777R, T1798R, T673R, T1650R, T1708R, T1710R, T1728R.
Identifiers: ClinVar variation 867996 (VCV000867996.3), dbSNP rs398122696, ClinGen allele CA10590892.

Conditions:
Breast-ovarian cancer, familial, susceptibility to, 1 (BROVCA1). Also called: BRCA1 Hereditary Breast and Ovarian Cancer; OVARIAN CANCER, SUSCEPTIBILITY TO. Identifiers: Orphanet 145, MedGen C2676676, MONDO:0011450, OMIM 604370. Disease mechanism: loss of function.

Submission:

Brotman Baty Institute, University of Washington
No classification provided (evidence only). Condition: Breast-ovarian cancer, familial 1. Review status: no classification provided. Collection method: in vitro. Allele origin: not applicable. Functional consequence: functionally_normal.
ClinVar note: "not provided" was previously submitted as the classification for the variant. However, the classification appeared to be based only on an observation of functional data so it was converted to no classification on 2025-07-30.